The following is an entry in ClinVar:

NM_014319.5(LEMD3):c.169G>T (p.Gly57Trp)

Gene: LEMD3 (LEM domain containing 3; plus strand). Cytogenetic location: 12q14.3.
Variant type: single nucleotide variant.
Coding change: c.169G>T on transcript NM_014319.5 (MANE Select); coding-DNA position 169, G replaced by T.
Protein change: p.Gly57Trp; replaces glycine 57 with tryptophan.
Molecular consequence: missense variant.
Genome position (GRCh38, 1-based): chr12:65,169,765, G>T. VCF-style: chr12-65169765-G-T. GRCh37 (hg19) VCF-style: chr12-65563545-G-T.
Other names: c.169G>T, p.Gly57Trp (NM_001167614.2); short protein forms G57W.
Identifiers: ClinVar variation 1958058 (VCV001958058.5), dbSNP rs2498937667, ClinGen allele CA385671891.

ClinVar aggregate classification (germline): Uncertain significance (1 of 4 stars; one submission).

gnomAD v4.1: 1 of 1,586,074 alleles (0.000063%); highest among the groups gnomAD compares: Non-Finnish European, 0.000086%; no homozygotes.

Submission:

Labcorp Genetics (formerly Invitae), Labcorp
Classification: Uncertain significance. Last evaluated: 2022-10-19. Review status: criteria provided, single submitter. Criteria: Invitae Variant Classification Sherloc (09022015). Collection method: clinical testing. Allele origin: germline.
Comment: This sequence change replaces glycine, which is neutral and non-polar, with tryptophan, which is neutral and slightly polar, at codon 57 of the LEMD3 protein (p.Gly57Trp). This variant is not present in population databases (gnomAD no frequency). This variant has not been reported in the literature in individuals affected with LEMD3-related conditions. Algorithms developed to predict the effect of missense changes on protein structure and function are either unavailable or do not agree on the potential impact of this missense change (SIFT: "Deleterious"; PolyPhen-2: "Probably Damaging"; Align-GVGD: "Class C0"). In summary, the available evidence is currently insufficient to determine the role of this variant in disease. Therefore, it has been classified as a Variant of Uncertain Significance.